The following is an entry in ClinVar:

ClinVar aggregate classification (germline): Uncertain significance (1 of 4 stars; one submission).

Submission:

Labcorp Genetics (formerly Invitae), Labcorp
Classification: Uncertain significance. Last evaluated: 2021-10-29. Review status: criteria provided, single submitter. Criteria: Invitae Variant Classification Sherloc (09022015). Collection method: clinical testing. Allele origin: germline.
Comment: In summary, the available evidence is currently insufficient to determine the role of this variant in disease. Therefore, it has been classified as a Variant of Uncertain Significance. Algorithms developed to predict the effect of missense changes on protein structure and function output the following: SIFT: "Tolerated"; PolyPhen-2: "Not Available"; Align-GVGD: "Class C0". The serine amino acid residue is found in multiple mammalian species, which suggests that this missense change does not adversely affect protein function. This variant has not been reported in the literature in individuals affected with PDZD7-related conditions. This variant is not present in population databases (gnomAD no frequency). This sequence change replaces alanine, which is neutral and non-polar, with serine, which is neutral and polar, at codon 818 of the PDZD7 protein (p.Ala818Ser).

NM_001195263.2(PDZD7):c.2452G>T (p.Ala818Ser)

Gene: PDZD7 (PDZ domain containing 7; minus strand). Cytogenetic location: 10q24.31.
Variant type: single nucleotide variant.
Coding change: c.2452G>T on transcript NM_001195263.2 (MANE Select); coding-DNA position 2452, G replaced by T.
Protein change: p.Ala818Ser; replaces alanine 818 with serine.
Molecular consequence: missense variant.
Genome position (GRCh38, 1-based): chr10:101,010,437, C>A on the plus strand (G>T on the coding strand, the complement: PDZD7 is on the minus strand). VCF-style: chr10-101010437-C-A. GRCh37 (hg19) VCF-style: chr10-102770194-C-A.
Other names: short protein forms A818S.
Identifiers: ClinVar variation 1390039 (VCV001390039.6), dbSNP rs1375910625, ClinGen allele CA378224144.